The following is an entry in ClinVar:

NM_001163435.3(TBCK):c.773C>G (p.Pro258Arg)

Gene: TBCK (TBC1 domain containing kinase; minus strand). Cytogenetic location: 4q24.
Variant type: single nucleotide variant.
Coding change: c.773C>G on transcript NM_001163435.3 (MANE Select); coding-DNA position 773, C replaced by G.
Protein change: p.Pro258Arg; replaces proline 258 with arginine.
Molecular consequence: missense variant.
Genome position (GRCh38, 1-based): chr4:106,248,254, G>C on the plus strand (C>G on the coding strand, the complement: TBCK is on the minus strand). VCF-style: chr4-106248254-G-C. GRCh37 (hg19) VCF-style: chr4-107169411-G-C.
Other names: c.773C>G, p.Pro258Arg (NM_001163436.4); c.656C>G, p.Pro219Arg (NM_001163437.3); c.257C>G, p.Pro86Arg (NM_001290768.2); c.584C>G, p.Pro195Arg (NM_033115.5); short protein forms P219R, P258R, P86R, P195R.
Identifiers: ClinVar variation 1409921 (VCV001409921.6), dbSNP rs2150053484, ClinGen allele CA357824941.

ClinVar aggregate classification (germline): Uncertain significance (1 of 4 stars; one submission).

gnomAD v4.1: 6 of 1,594,282 alleles (0.00038%); highest among the groups gnomAD compares: Non-Finnish European, 0.00051%; no homozygotes.

Submission:

Labcorp Genetics (formerly Invitae), Labcorp
Classification: Uncertain significance. Last evaluated: 2022-08-09. Review status: criteria provided, single submitter. Criteria: Invitae Variant Classification Sherloc (09022015). Collection method: clinical testing. Allele origin: germline.
Comment: In summary, the available evidence is currently insufficient to determine the role of this variant in disease. Therefore, it has been classified as a Variant of Uncertain Significance. Algorithms developed to predict the effect of missense changes on protein structure and function are either unavailable or do not agree on the potential impact of this missense change (SIFT: "Tolerated"; PolyPhen-2: "Probably Damaging"; Align-GVGD: "Class C0"). ClinVar contains an entry for this variant (Variation ID: 1409921). This variant has not been reported in the literature in individuals affected with TBCK-related conditions. This variant is not present in population databases (gnomAD no frequency). This sequence change replaces proline, which is neutral and non-polar, with arginine, which is basic and polar, at codon 258 of the TBCK protein (p.Pro258Arg).